The following is an entry in ClinVar:

ClinVar aggregate classification (germline): Uncertain significance (1 of 4 stars; one submission).

Conditions:
Pheochromocytoma/paraganglioma syndrome 3. Also called: GLOMUS TUMORS, FAMILIAL, 3; Paragangliomas 3; SDHC-Related Hereditary Paraganglioma-Pheochromocytoma Syndrome (Paragangliomas 3); SDHC-Related Hereditary Paraganglioma-Pheochromocytoma Syndrome. Identifiers: Orphanet 29072, MedGen C1854336, MONDO:0011544, OMIM 605373.
Gastrointestinal stromal tumor. Also called: Gastrointestinal stromal tumor, somatic; Gastrointestinal stroma tumor. Identifiers: Orphanet 44890, MedGen C0238198, MeSH D046152, MONDO:0011719, OMIM 606764, HP:0100723.

Submission:

Labcorp Genetics (formerly Invitae), Labcorp
Classification: Uncertain significance for Pheochromocytoma/paraganglioma syndrome 3; Gastrointestinal stromal tumor. Last evaluated: 2023-12-21. Review status: criteria provided, single submitter. Criteria: Invitae Variant Classification Sherloc (09022015). Collection method: clinical testing. Allele origin: unknown.
Comment: This variant results in a copy number gain of the genomic region encompassing exon(s) 5-6 of the SDHC gene. This region includes the termination codon of the gene. This copy number gain extends beyond the assayed region for this gene and therefore may encompass additional genes. As the precise location of this event is unknown, it may be in tandem or it may be located elsewhere in the genome. This variant has not been reported in the literature in individuals affected with SDHC-related conditions. Experimental studies and prediction algorithms are not available or were not evaluated, and the functional significance of this variant is currently unknown. In summary, the available evidence is currently insufficient to determine the role of this variant in disease. Therefore, it has been classified as a Variant of Uncertain Significance.

NC_000001.10:g.(?_161326447)_(161332223_?)dup

Gene: SDHC (succinate dehydrogenase complex subunit C; plus strand). Cytogenetic location: 1q23.3.
Variant type: Duplication.
Identifiers: ClinVar variation 3247759 (VCV003247759.1).